The following is an entry in ClinVar:

NM_001009944.3(PKD1):c.11726T>G (p.Leu3909Arg)

Gene: PKD1 (polycystin 1, transient receptor potential channel interacting; minus strand). Cytogenetic location: 16p13.3.
Variant type: single nucleotide variant.
Coding change: c.11726T>G on transcript NM_001009944.3 (MANE Select); coding-DNA position 11726, T replaced by G.
Protein change: p.Leu3909Arg; replaces leucine 3909 with arginine.
Molecular consequence: missense variant.
Genome position (GRCh38, 1-based): chr16:2,091,161, A>C on the plus strand (T>G on the coding strand, the complement: PKD1 is on the minus strand). VCF-style: chr16-2091161-A-C. GRCh37 (hg19) VCF-style: chr16-2141162-A-C.
Other names: c.11723T>G, p.Leu3908Arg (NM_000296.4); short protein forms L3908R, L3909R.
Identifiers: ClinVar variation 3344463 (VCV003344463.1).

ClinVar aggregate classification (germline): Uncertain significance (0 of 4 stars; one submission).

Conditions:
PKD1-related disorder. Also called: PKD1-related condition.

Submission:

PreventionGenetics, part of Exact Sciences
Classification: Uncertain significance for PKD1-related condition. Last evaluated: 2024-07-26. Review status: no assertion criteria provided. Collection method: clinical testing. Allele origin: germline.
Comment: The PKD1 c.11726T>G variant is predicted to result in the amino acid substitution p.Leu3909Arg. To our knowledge, this variant has not been reported in the literature or in a large population database, indicating this variant is rare. At this time, the clinical significance of this variant is uncertain due to the absence of conclusive functional and genetic evidence.